The following is an entry in ClinVar:

ClinVar aggregate classification (germline): Uncertain significance (1 of 4 stars; one submission).

Submission:

GeneDx
Classification: Uncertain significance. Last evaluated: 2025-02-04. Review status: criteria provided, single submitter. Criteria: GeneDx Variant Classification Process June 2021. Collection method: clinical testing. Allele origin: germline.
Comment: Not observed at significant frequency in large population cohorts (gnomAD); In silico analysis supports that this missense variant has a deleterious effect on protein structure/function; Has not been previously published as pathogenic or benign to our knowledge

NM_000836.4(GRIN2D):c.1567G>A (p.Gly523Ser)

Gene: GRIN2D (glutamate ionotropic receptor NMDA type subunit 2D; plus strand). Cytogenetic location: 19q13.33.
Variant type: single nucleotide variant.
Coding change: c.1567G>A on transcript NM_000836.4 (MANE Select); coding-DNA position 1567, G replaced by A.
Protein change: p.Gly523Ser; replaces glycine 523 with serine.
Molecular consequence: missense variant.
Genome position (GRCh38, 1-based): chr19:48,415,018, G>A. VCF-style: chr19-48415018-G-A. GRCh37 (hg19) VCF-style: chr19-48918275-G-A.
Other names: short protein forms G523S.
Identifiers: ClinVar variation 3368080 (VCV003368080.2).
Genomic context (GRCh38, chr19:48,415,018, plus strand): 5'-TACGACCTCTACCTGGTCACCAATGGCAAGCACGGAAAGAAGATCGATGGCGTCTGGAAC[G>A]GCATGATCGGGGAGGTGAGGGGGCGGACGGGAGGCGGGGAATCTTCGGGGCGGAGTCGAG-3'
Protein context (NP_000827.2, residues 513-533): HGKKIDGVWN[Gly523Ser]MIGEVFYQRA